The following is an entry in ClinVar:

ClinVar aggregate classification (germline): Uncertain significance (1 of 4 stars; one submission).

Conditions:
Cerebral cavernous malformation 2. Also called: Familial Cerebral Cavernous Malformation 2. Identifiers: Orphanet 221061, MedGen C1864041, MONDO:0011304, OMIM 603284.

gnomAD v4.1: 30 of 1,612,942 alleles (0.0019%); highest among the groups gnomAD compares: Non-Finnish European, 0.0024%; no homozygotes.

Submission:

Labcorp Genetics (formerly Invitae), Labcorp
Classification: Uncertain significance for Cerebral cavernous malformation 2. Last evaluated: 2025-04-13. Review status: criteria provided, single submitter. Criteria: Invitae Variant Classification Sherloc (09022015). Collection method: clinical testing. Allele origin: germline.
Comment: This sequence change replaces glutamic acid, which is acidic and polar, with lysine, which is basic and polar, at codon 433 of the CCM2 protein (p.Glu433Lys). This variant is present in population databases (rs746677393, gnomAD 0.002%). This variant has not been reported in the literature in individuals affected with CCM2-related conditions. ClinVar contains an entry for this variant (Variation ID: 3704844). Invitae Evidence Modeling of protein sequence and biophysical properties (such as structural, functional, and spatial information, amino acid conservation, physicochemical variation, residue mobility, and thermodynamic stability) indicates that this missense variant is not expected to disrupt CCM2 protein function with a negative predictive value of 80%. In summary, the available evidence is currently insufficient to determine the role of this variant in disease. Therefore, it has been classified as a Variant of Uncertain Significance.

NM_031443.4(CCM2):c.1297G>A (p.Glu433Lys)

Gene: CCM2 (CCM2 scaffold protein; plus strand). Cytogenetic location: 7p13.
Variant type: single nucleotide variant.
Coding change: c.1297G>A on transcript NM_031443.4 (MANE Select); coding-DNA position 1297, G replaced by A.
Protein change: p.Glu433Lys; replaces glutamic acid 433 with lysine.
Molecular consequence: missense variant. On other transcripts: non-coding transcript variant (1).
Genome position (GRCh38, 1-based): chr7:45,076,019, G>A. VCF-style: chr7-45076019-G-A. GRCh37 (hg19) VCF-style: chr7-45115618-G-A.
Other names: c.1420G>A, p.Glu474Lys (NM_001363458.2); c.1246G>A, p.Glu416Lys (NM_001363459.2); c.1360G>A, p.Glu454Lys (NM_001029835.2); c.1123G>A, p.Glu375Lys (NM_001167934.2); c.1024G>A, p.Glu342Lys (NM_001167935.2); short protein forms E454K, E342K, E433K, E474K, E375K, E416K.
Identifiers: ClinVar variation 3704844 (VCV003704844.2).